The following is an entry in ClinVar:

NM_003238.6(TGFB2):c.625G>A (p.Glu209Lys)

Gene: TGFB2 (transforming growth factor beta 2; plus strand). Cytogenetic location: 1q41.
Variant type: single nucleotide variant.
Coding change: c.625G>A on transcript NM_003238.6 (MANE Select); coding-DNA position 625, G replaced by A.
Protein change: p.Glu209Lys; replaces glutamic acid 209 with lysine.
Molecular consequence: missense variant. On other transcripts: non-coding transcript variant (2).
Genome position (GRCh38, 1-based): chr1:218,434,196, G>A. VCF-style: chr1-218434196-G-A. GRCh37 (hg19) VCF-style: chr1-218607538-G-A.
Other names: c.709G>A, p.Glu237Lys (NM_001135599.4); short protein forms E209K, E237K.
Identifiers: ClinVar variation 1752491 (VCV001752491.2), dbSNP rs2464864740, ClinGen allele CA344726666.
Genomic context (GRCh38, chr1:218,434,196, plus strand): 5'-GTTGTGAAAACAAGAGCAGAAGGCGAATGGCTCTCCTTCGATGTAACTGATGCTGTTCAT[G>A]AATGGCTTCACCATAAAGGTTACAAGCCACTCTCTCTTTTCCTCCCAAGATGTTCAGTAT-3'
Protein context (NP_003229.1, residues 199-219): LSFDVTDAVH[Glu209Lys]WLHHKDRNLG

ClinVar aggregate classification (germline): Uncertain significance (1 of 4 stars; one submission).

Conditions:
Familial thoracic aortic aneurysm and aortic dissection (TAAD). Also called: Thoracic aortic aneurysms and dissections. Identifiers: Orphanet 91387, MedGen C4707243, MONDO:0019625.

Submission:

Ambry Genetics
Classification: Uncertain significance for Familial thoracic aortic aneurysm and aortic dissection. Last evaluated: 2019-09-16. Review status: criteria provided, single submitter. Criteria: Ambry Variant Classification Scheme 2023. Collection method: clinical testing. Allele origin: germline.
Comment: The p.E209K variant (also known as c.625G>A), located in coding exon 3 of the TGFB2 gene, results from a G to A substitution at nucleotide position 625. The glutamic acid at codon 209 is replaced by lysine, an amino acid with similar properties. This amino acid position is highly conserved in available vertebrate species. In addition, this alteration is predicted to be deleterious by in silico analysis. Since supporting evidence is limited at this time, the clinical significance of this alteration remains unclear.